The following is an entry in ClinVar:

NM_001042492.3(NF1):c.5458_5461del (p.Ile1820fs)

Gene: NF1 (neurofibromin 1; plus strand). Cytogenetic location: 17q11.2.
Variant type: Deletion.
Coding change: c.5458_5461del on transcript NM_001042492.3 (MANE Select); coding-DNA positions 5458 to 5461, 4 bases deleted (ATTG; older notation c.5458_5461delATTG).
Protein change: p.Ile1820fs; shifts the reading frame from isoleucine 1820.
Molecular consequence: frameshift variant.
Genome position (GRCh38, 1-based): chr17:31,327,688-31,327,691, ATTG deleted. VCF-style (leftmost placement, unchanged base first): chr17-31327687-CATTG-C. GRCh37 (hg19) VCF-style: chr17-29654705-CATTG-C.
Other names: c.5395_5398delATTG, p.Ile1799Serfs (NM_000267.4); short protein forms I1820fs, I1799fs.
Identifiers: ClinVar variation 2695111 (VCV002695111.3), dbSNP rs2508706890, ClinGen allele CA2697559625.

ClinVar aggregate classification (germline): Pathogenic (1 of 4 stars; one submission).

Conditions:
Neurofibromatosis, type 1 (NF1). Also called: Peripheral type neurofibromatosis; VON RECKLINGHAUSEN DISEASE; Neurofibromatosis, type I; NEUROFIBROMATOSIS, TYPE I, SOMATIC. Identifiers: Orphanet 636, MedGen C0027831, MONDO:0018975, OMIM 162200. Disease mechanism: loss of function.

Submission:

Labcorp Genetics (formerly Invitae), Labcorp
Classification: Pathogenic for Neurofibromatosis, type 1. Last evaluated: 2023-11-11. Review status: criteria provided, single submitter. Criteria: Invitae Variant Classification Sherloc (09022015). Collection method: clinical testing. Allele origin: germline.
Comment: This sequence change creates a premature translational stop signal (p.Ile1799Serfs*42) in the NF1 gene. It is expected to result in an absent or disrupted protein product. Loss-of-function variants in NF1 are known to be pathogenic (PMID: 10712197, 23913538). This variant is not present in population databases (gnomAD no frequency). This variant has not been reported in the literature in individuals affected with NF1-related conditions. For these reasons, this variant has been classified as Pathogenic.

Literature cited by the submitters: PubMed 10712197; PubMed 23913538.